The following is an entry in ClinVar:

ClinVar aggregate classification (germline): Likely benign. Review status: criteria provided, multiple submitters, no conflicts (2 of 4 stars). 3 submissions from 3 submitters: Likely benign (3). Last evaluated 2025-06-10.

Conditions:
Majeed syndrome (MJDS). Also called: CHRONIC RECURRENT MULTIFOCAL OSTEOMYELITIS 1, WITH CONGENITAL DYSERYTHROPOIETIC ANEMIA, WITH OR WITHOUT NEUTROPHILIC DERMATOSIS; LPIN2-Related Majeed Syndrome. Identifiers: Orphanet 77297, MedGen C1864997, MONDO:0012316, OMIM 609628.

Allele frequency attached by ClinVar (database versions not stated): gnomAD 0.00001; gnomAD exomes 0.00001 and 0.00003; TOPMed 0.00001; ExAC 0.00002.
gnomAD v4.1: 8 of 1,614,066 alleles (0.0005%); highest among the groups gnomAD compares: Admixed American, 0.013%; no homozygotes.

Submissions (3):

Labcorp Genetics (formerly Invitae), Labcorp
Classification: Likely benign for Majeed syndrome. Last evaluated: 2025-06-10. Review status: criteria provided, single submitter. Criteria: Invitae Variant Classification Sherloc (09022015). Collection method: clinical testing. Allele origin: germline.

Blueprint Genetics
Classification: Likely benign. Last evaluated: 2021-06-26. Review status: criteria provided, single submitter. Criteria: ACMG Guidelines, 2015. Collection method: clinical testing. Allele origin: germline.

GeneDx
Classification: Likely benign. Last evaluated: 2016-06-04. Review status: criteria provided, single submitter. Criteria: GeneDx Variant Classification (06012015). Collection method: clinical testing. Allele origin: germline. Affected: yes.
Comment: This variant is considered likely benign or benign based on one or more of the following criteria: it is a conservative change, it occurs at a poorly conserved position in the protein, it is predicted to be benign by multiple in silico algorithms, and/or has population frequency not consistent with disease.

NM_001375808.2(LPIN2):c.2484A>G (p.Arg828=)

Gene: LPIN2 (lipin 2; minus strand). Cytogenetic location: 18p11.31.
Variant type: single nucleotide variant.
Coding change: c.2484A>G on transcript NM_001375808.2 (MANE Select); coding-DNA position 2484, A replaced by G.
Protein change: p.Arg828=; no amino-acid change (arginine 828 retained).
Molecular consequence: synonymous variant.
Genome position (GRCh38, 1-based): chr18:2,920,840, T>C on the plus strand (A>G on the coding strand, the complement: LPIN2 is on the minus strand). VCF-style: chr18-2920840-T-C. GRCh37 (hg19) VCF-style: chr18-2920838-T-C.
Other names: c.2484A>G, p.Arg828= (NM_001375809.1, NM_014646.2).
Identifiers: ClinVar variation 386782 (VCV000386782.4), dbSNP rs761194035, ClinGen allele CA8872702.